The following is an entry in ClinVar:

NM_001354600.3(IVD):c.1277C>A (p.Pro426His)

Gene: IVD (isovaleryl-CoA dehydrogenase; plus strand). Cytogenetic location: 15q15.1.
Variant type: single nucleotide variant.
Coding change: c.1277C>A on transcript NM_001354600.3; coding-DNA position 1277, C replaced by A.
Protein change: p.Pro426His; replaces proline 426 with histidine.
Molecular consequence: missense variant. On other transcripts: non-coding transcript variant (1), intron variant (1).
Genome position (GRCh38, 1-based): chr15:40,424,186, C>A. VCF-style: chr15-40424186-C-A. GRCh37 (hg19) VCF-style: chr15-40716385-C-A.
Other names: c.1190C>A, p.Pro397His (NM_001354598.3); c.1138+7824C>A (NM_001354601.3); short protein forms P397H, P426H.
Identifiers: ClinVar variation 3042246 (VCV003042246.2), dbSNP rs528573506, ClinGen allele CA7480940.

ClinVar aggregate classification (germline): Likely benign (0 of 4 stars; one submission).

Conditions:
IVD-related disorder. Also called: IVD-related condition.

Allele frequency attached by ClinVar (database versions not stated): 1000 Genomes Project 0.00060; 1000 Genomes Project 30x 0.00062; ExAC 0.00262; gnomAD 0.00016.
gnomAD v4.1: 325 of 1,288,242 alleles (0.025%); highest among the groups gnomAD compares: South Asian, 0.38%; 1 homozygote.

Submission:

PreventionGenetics, part of Exact Sciences
Classification: Likely benign for IVD-related condition. Last evaluated: 2022-04-14. Review status: no assertion criteria provided. Collection method: clinical testing. Allele origin: germline.
Comment: This variant is classified as likely benign based on ACMG/AMP sequence variant interpretation guidelines (Richards et al. 2015 PMID: 25741868, with internal and published modifications).